The following is an entry in ClinVar:

NM_001987.5(ETV6):c.329-5T>G

Gene: ETV6 (ETS variant transcription factor 6; plus strand). Cytogenetic location: 12p13.2.
Variant type: single nucleotide variant.
Coding change: c.329-5T>G on transcript NM_001987.5 (MANE Select); 5 bases into the intron before coding-DNA position 329, T replaced by G.
Molecular consequence: intron variant.
Genome position (GRCh38, 1-based): chr12:11,853,422, T>G. VCF-style: chr12-11853422-T-G. GRCh37 (hg19) VCF-style: chr12-12006356-T-G.
Other names: c.302-5T>G (NM_001413914.1); c.329-5T>G (NM_001413917.1, NM_001413916.1); c.326-5T>G (NM_001413913.1); c.65-5T>G (NM_001413915.1).
Identifiers: ClinVar variation 4251429 (VCV004251429.1).

ClinVar aggregate classification (germline): Uncertain significance (1 of 4 stars; one submission).

Conditions:
Inborn genetic diseases. Identifiers: MedGen C0950123, MeSH D030342.

Submission:

Ambry Genetics
Classification: Uncertain significance for Inborn genetic diseases. Last evaluated: 2025-07-01. Review status: criteria provided, single submitter. Criteria: Ambry Variant Classification Scheme 2023. Collection method: clinical testing. Allele origin: germline.
Comment: The c.329-5T>G intronic variant results from a T to G substitution 5 nucleotides upstream from coding exon 4 in the ETV6 gene. This nucleotide position is not well conserved in available vertebrate species. In silico splice site analysis predicts that this alteration will not have any significant effect on splicing. Based on the available evidence, the clinical significance of this variant remains unclear.